The following is an entry in ClinVar:

NM_004364.5(CEBPA):c.116C>T (p.Pro39Leu)

Gene: CEBPA (CCAAT enhancer binding protein alpha; minus strand). Cytogenetic location: 19q13.11.
Variant type: single nucleotide variant.
Coding change: c.116C>T on transcript NM_004364.5 (MANE Select); coding-DNA position 116, C replaced by T.
Protein change: p.Pro39Leu; replaces proline 39 with leucine.
Molecular consequence: missense variant. On other transcripts: 5 prime UTR variant (1).
Genome position (GRCh38, 1-based): chr19:33,302,299, G>A on the plus strand (C>T on the coding strand, the complement: CEBPA is on the minus strand). VCF-style: chr19-33302299-G-A. GRCh37 (hg19) VCF-style: chr19-33793205-G-A.
Other names: c.-242C>T (NM_001285829.2); c.221C>T, p.Pro74Leu (NM_001287424.2); c.74C>T, p.Pro25Leu (NM_001287435.2); c.116C>T (NM_004364.3); short protein forms P39L, P74L, P25L.
Identifiers: ClinVar variation 408756 (VCV000408756.11), dbSNP rs1060502125, ClinGen allele CA16616269.

ClinVar aggregate classification (germline): Conflicting classifications of pathogenicity. Review status: criteria provided, conflicting classifications (1 of 4 stars). 3 submissions from 3 submitters: Uncertain significance (2); Likely benign (1). Last evaluated 2025-10-29.

Conditions:
Inborn genetic diseases. Identifiers: MedGen C0950123, MeSH D030342.
Acute myeloid leukemia (AML). Also called: Leukemia, acute myeloid, somatic; Leukemia, acute myelogenous, somatic; Acute myeloid leukemia, adult; AML adult; Acute non-lymphocytic leukemia; Acute granulocytic leukemia. Identifiers: Orphanet 519, MedGen C0023467, MeSH D015470, MONDO:0018874, OMIM 601626, HP:0004808. Disease mechanism: Constitutively activated FLT3.

Allele frequency attached by ClinVar (database versions not stated): TOPMed 0.00001.

Submissions (3):

Labcorp Genetics (formerly Invitae), Labcorp
Classification: Uncertain significance for Acute myeloid leukemia. Last evaluated: 2025-10-29. Review status: criteria provided, single submitter. Criteria: Invitae Variant Classification Sherloc (09022015). Collection method: clinical testing. Allele origin: germline.
Comment: This sequence change replaces proline, which is neutral and non-polar, with leucine, which is neutral and non-polar, at codon 39 of the CEBPA protein (p.Pro39Leu). The frequency data for this variant in the population databases is considered unreliable, as metrics indicate poor data quality at this position in the gnomAD database. This variant has not been reported in the literature in individuals affected with CEBPA-related conditions. ClinVar contains an entry for this variant (Variation ID: 408756). An algorithm developed to predict the effect of missense changes on protein structure and function (PolyPhen-2) suggests that this variant is likely to be disruptive. In summary, the available evidence is currently insufficient to determine the role of this variant in disease. Therefore, it has been classified as a Variant of Uncertain Significance.

Ambry Genetics
Classification: Likely benign for Inborn genetic diseases. Last evaluated: 2025-01-10. Review status: criteria provided, single submitter. Criteria: Ambry Variant Classification Scheme 2023. Collection method: clinical testing. Allele origin: germline.

Baylor Genetics
Classification: Uncertain significance for Acute myeloid leukemia. Last evaluated: 2024-02-10. Review status: criteria provided, single submitter. Criteria: ACMG Guidelines, 2015. Collection method: clinical testing. Allele origin: unknown.